The following is an entry in ClinVar:

ClinVar aggregate classification (germline): Likely benign (1 of 4 stars; one submission).

Allele frequency attached by ClinVar (database versions not stated): 1000 Genomes Project 0.00040; 1000 Genomes Project 30x 0.00078; ESP Exome Variant Server 0.00294.

Submission:

CeGaT Center for Human Genetics Tuebingen
Classification: Likely benign. Last evaluated: 2026-07-01. Review status: criteria provided, single submitter. Criteria: CeGaT Center For Human Genetics Tuebingen Variant Classification Criteria Version 2. Collection method: clinical testing. Allele origin: germline. Affected: yes. Observed: 4 variant alleles.
Comment: FKBP6: BS2

NM_003602.5(FKBP6):c.547C>T (p.Arg183Cys)

Gene: FKBP6 (FKBP prolyl isomerase family member 6 (inactive); plus strand). Cytogenetic location: 7q11.23.
Variant type: single nucleotide variant.
Coding change: c.547C>T on transcript NM_003602.5 (MANE Select); coding-DNA position 547, C replaced by T.
Protein change: p.Arg183Cys; replaces arginine 183 with cysteine.
Molecular consequence: missense variant. On other transcripts: intron variant (1).
Genome position (GRCh38, 1-based): chr7:73,331,735, C>T. VCF-style: chr7-73331735-C-T. GRCh37 (hg19) VCF-style: chr7-72745738-C-T.
Other names: c.532C>T, p.Arg178Cys (NM_001135211.3); c.457C>T, p.Arg153Cys (NM_001281304.2); c.453+1383C>T (NM_001362789.2); short protein forms R153C, R178C, R183C.
Identifiers: ClinVar variation 2657551 (VCV002657551.24), dbSNP rs147213094, ClinGen allele CA4286725.